The following is an entry in ClinVar:

NM_003072.5(SMARCA4):c.3947T>A (p.Phe1316Tyr)

Gene: SMARCA4 (SWI/SNF related BAF chromatin remodeling complex subunit ATPase 4; plus strand). Cytogenetic location: 19p13.2.
Variant type: single nucleotide variant.
Coding change: c.3947T>A on transcript NM_003072.5 (MANE Select); coding-DNA position 3947, T replaced by A.
Protein change: p.Phe1316Tyr; replaces phenylalanine 1316 with tyrosine.
Molecular consequence: missense variant. On other transcripts: non-coding transcript variant (1).
Genome position (GRCh38, 1-based): chr19:11,034,196, T>A. VCF-style: chr19-11034196-T-A. GRCh37 (hg19) VCF-style: chr19-11144872-T-A.
Other names: c.3947T>A, p.Phe1316Tyr (NM_001128844.3, NM_001128849.3); c.3848T>A, p.Phe1283Tyr (NM_001128845.2, NM_001128846.2, NM_001128847.4 and 2 more transcripts); short protein forms F1316Y, F1283Y.
Identifiers: ClinVar variation 824413 (VCV000824413.16), dbSNP rs1455103075, ClinGen allele CA404067953.

ClinVar aggregate classification (germline): Uncertain significance. Review status: criteria provided, multiple submitters, no conflicts (2 of 4 stars). 3 submissions from 3 submitters: Uncertain significance (3). Last evaluated 2025-12-13.

Conditions:
Rhabdoid tumor predisposition syndrome 2 (RTPS2). Identifiers: Orphanet 231108, Orphanet 69077, MedGen C2750074, MONDO:0013224, OMIM 613325.
Intellectual disability, autosomal dominant 16 (CSS4). Also called: COFFIN-SIRIS SYNDROME 4. Identifiers: Orphanet 1465, MedGen C3553249, MONDO:0013821, OMIM 614609.
Hereditary cancer-predisposing syndrome. Also called: Neoplastic Syndromes, Hereditary; Tumor predisposition; Hereditary neoplastic syndrome; Hereditary Cancer Syndrome. Identifiers: Orphanet 140162, MedGen C0027672, MeSH D009386, MONDO:0015356.

Allele frequency attached by ClinVar (database versions not stated): gnomAD exomes below 0.00001; TOPMed 0.00001.
gnomAD v4.1: 2 of 1,613,242 alleles (0.00012%); highest among the groups gnomAD compares: Admixed American, 0.0033%; no homozygotes.

Submissions (3):

Labcorp Genetics (formerly Invitae), Labcorp
Classification: Uncertain significance for Rhabdoid tumor predisposition syndrome 2. Last evaluated: 2025-12-13. Review status: criteria provided, single submitter. Criteria: Invitae Variant Classification Sherloc (09022015). Collection method: clinical testing. Allele origin: germline.
Comment: This sequence change replaces phenylalanine, which is neutral and non-polar, with tyrosine, which is neutral and polar, at codon 1316 of the SMARCA4 protein (p.Phe1316Tyr). This variant is present in population databases (no rsID available, gnomAD 0.003%). This variant has not been reported in the literature in individuals affected with SMARCA4-related conditions. ClinVar contains an entry for this variant (Variation ID: 824413). Invitae Evidence Modeling of protein sequence and biophysical properties (such as structural, functional, and spatial information, amino acid conservation, physicochemical variation, residue mobility, and thermodynamic stability) indicates that this missense variant is not expected to disrupt SMARCA4 protein function with a negative predictive value of 95%. In summary, the available evidence is currently insufficient to determine the role of this variant in disease. Therefore, it has been classified as a Variant of Uncertain Significance.

Ambry Genetics
Classification: Uncertain significance for Hereditary cancer-predisposing syndrome. Last evaluated: 2025-09-26. Review status: criteria provided, single submitter. Criteria: Ambry Variant Classification Scheme 2023. Collection method: clinical testing. Allele origin: germline.
Comment: The p.F1316Y variant (also known as c.3947T>A), located in coding exon 27 of the SMARCA4 gene, results from a T to A substitution at nucleotide position 3947. The phenylalanine at codon 1316 is replaced by tyrosine, an amino acid with highly similar properties. This amino acid position is highly conserved in available vertebrate species. In addition, this alteration is predicted to be deleterious by in silico analysis. This variant has been detected in multiple individuals with no reported features of Coffin-Siris syndrome (Ambry internal data). Based on the supporting evidence, the association of this alteration with rhabdoid tumor predisposition syndrome is unknown; however, the association of this alteration with Coffin-Siris syndrome is unlikely.

Genome-Nilou Lab
Classification: Uncertain significance for Intellectual disability, autosomal dominant 16. Last evaluated: 2021-07-15. Review status: criteria provided, single submitter. Criteria: ACMG Guidelines, 2015. Collection method: clinical testing. Allele origin: germline. Affected: no.